The following is an entry in ClinVar:

ClinVar aggregate classification (germline): Conflicting classifications of pathogenicity. Review status: criteria provided, conflicting classifications (1 of 4 stars). 6 submissions from 6 submitters: Uncertain significance (1); Likely benign (2). 3 of the submissions do not count toward it. Last evaluated 2025-10-23.

Conditions:
MFRP-related disorder. Also called: MFRP-related disorders; MFRP-related condition.
Isolated microphthalmia 5. Also called: Posterior Microphthalmia with Retinitis Pigmentosa, Foveoschisis, and Optic Disc Drusen. Identifiers: Orphanet 251279, MedGen C1970236, MONDO:0012605, OMIM 611040.

Allele frequency attached by ClinVar (database versions not stated): TOPMed 0.00025; ExAC 0.00029; ESP Exome Variant Server 0.00031; gnomAD 0.00010; gnomAD exomes 0.00027; 1000 Genomes Project 0.00060; 1000 Genomes Project 30x 0.00062.
gnomAD v4.1: 322 of 1,613,600 alleles (0.02%); highest among the groups gnomAD compares: Middle Eastern, 0.28%; 3 homozygotes.

Submissions (6):

Labcorp Genetics (formerly Invitae), Labcorp
Classification: Likely benign for Isolated microphthalmia 5. Last evaluated: 2025-10-23. Review status: criteria provided, single submitter. Criteria: Invitae Variant Classification Sherloc (09022015). Collection method: clinical testing. Allele origin: germline.

Blueprint Genetics
Classification: Likely benign. Last evaluated: 2024-11-21. Review status: criteria provided, single submitter. Criteria: ACMG Guidelines, 2015. Collection method: clinical testing. Allele origin: germline.

Eurofins Ntd Llc (ga)
Classification: Uncertain significance. Last evaluated: 2016-03-30. Review status: criteria provided, single submitter. Criteria: EGL Classification Definitions 2015. Collection method: clinical testing. Allele origin: germline. Observed: 2 variant alleles, 2 heterozygotes.

PreventionGenetics, part of Exact Sciences
Classification: Likely benign for MFRP-related condition. Last evaluated: 2019-11-06. Review status: no assertion criteria provided. Collection method: clinical testing. Allele origin: germline. Not counted in ClinVar's aggregate classification.
Comment: This variant is classified as likely benign based on ACMG/AMP sequence variant interpretation guidelines (Richards et al. 2015 PMID: 25741868, with internal and published modifications).

Clinical Genetics DNA and cytogenetics Diagnostics Lab, Erasmus MC, Erasmus Medical Center
Classification: Likely benign. Review status: no assertion criteria provided. Collection method: clinical testing. Allele origin: germline. Affected: yes. Study: VKGL Data-share Consensus. Not counted in ClinVar's aggregate classification.

Clinical Genetics, Academic Medical Center
Classification: Likely benign. Review status: no assertion criteria provided. Collection method: clinical testing. Allele origin: germline. Affected: yes. Study: VKGL Data-share Consensus. Not counted in ClinVar's aggregate classification.

NM_031433.4(MFRP):c.1256-4G>A

Genes: C1QTNF5 (C1q and TNF related 5; minus strand), MFRP (membrane frizzled-related protein; minus strand). Cytogenetic location: 11q23.3.
Variant type: single nucleotide variant.
Coding change: c.1256-4G>A on transcript NM_031433.4 (MANE Select); 4 bases into the intron before coding-DNA position 1256, G replaced by A.
Molecular consequence: intron variant.
Genome position (GRCh38, 1-based): chr11:119,342,731, C>T on the plus strand (G>A on the coding strand, the complement: MFRP is on the minus strand). VCF-style: chr11-119342731-C-T. GRCh37 (hg19) VCF-style: chr11-119213441-C-T.
Other names: c.-1381-4G>A (NM_015645.5).
Identifiers: ClinVar variation 193935 (VCV000193935.20), dbSNP rs142533439, ClinGen allele CA017126.